The following is an entry in ClinVar:

NM_003289.4(TPM2):c.639+6G>C

Gene: TPM2 (tropomyosin 2; minus strand). Cytogenetic location: 9p13.3.
Variant type: single nucleotide variant.
Coding change: c.639+6G>C on transcript NM_003289.4 (MANE Select); 6 bases into the intron after coding-DNA position 639, G replaced by C.
Molecular consequence: intron variant.
Genome position (GRCh38, 1-based): chr9:35,684,726, C>G on the plus strand (G>C on the coding strand, the complement: TPM2 is on the minus strand). VCF-style: chr9-35684726-C-G. GRCh37 (hg19) VCF-style: chr9-35684723-C-G.
Other names: c.640-176G>C (NM_213674.1, NM_001301227.2); c.639+6G>C (NM_001301226.2).
Identifiers: ClinVar variation 1945785 (VCV001945785.5), dbSNP rs1407467416, ClinGen allele CA587766841.
Genomic context (GRCh38, chr9:35,684,726, plus strand): 5'-GCCTTGGGCCCCTCACCTCCCTCCCCTGTGGGACCCCATCCTCACTGCCCCTCTGCTCCC[C>G]TCTACCTTGTCCGCCTGGGCCTCCAGGGATTTCAAGTTGTTGGTAACAATTTTCAGCTCC-3'

ClinVar aggregate classification (germline): Uncertain significance (1 of 4 stars; one submission).

Conditions:
Arthrogryposis, distal, type 1A. Also called: ARTHROGRYPOSIS MULTIPLEX CONGENITA, DISTAL, TYPE I. Identifiers: Orphanet 1146, MedGen C6022280, MONDO:0007157, OMIM 108120.

Allele frequency attached by ClinVar (database versions not stated): gnomAD exomes 0.00001.
gnomAD v4.1: 3 of 1,614,150 alleles (0.00019%); highest among the groups gnomAD compares: Admixed American, 0.0017%; no homozygotes.

Submission:

Labcorp Genetics (formerly Invitae), Labcorp
Classification: Uncertain significance for Arthrogryposis, distal, type 1A. Last evaluated: 2022-01-14. Review status: criteria provided, single submitter. Criteria: Invitae Variant Classification Sherloc (09022015). Collection method: clinical testing. Allele origin: germline.
Comment: In summary, the available evidence is currently insufficient to determine the role of this variant in disease. Therefore, it has been classified as a Variant of Uncertain Significance. Variants that disrupt the consensus splice site are a relatively common cause of aberrant splicing (PMID: 17576681, 9536098). Algorithms developed to predict the effect of sequence changes on RNA splicing suggest that this variant is not likely to affect RNA splicing. This variant has not been reported in the literature in individuals affected with TPM2-related conditions. This variant is present in population databases (no rsID available, gnomAD 0.003%). This sequence change falls in intron 6 of the TPM2 gene. It does not directly change the encoded amino acid sequence of the TPM2 protein. It affects a nucleotide within the consensus splice site.

Literature cited by the submitters: PubMed 17576681; PubMed 9536098.